The following is an entry in ClinVar:

NM_004999.4(MYO6):c.3338A>T (p.His1113Leu)

Gene: MYO6 (myosin VI; plus strand). Cytogenetic location: 6q14.1.
Variant type: single nucleotide variant.
Coding change: c.3338A>T on transcript NM_004999.4 (MANE Select); coding-DNA position 3338, A replaced by T.
Protein change: p.His1113Leu; replaces histidine 1113 with leucine.
Molecular consequence: missense variant. On other transcripts: non-coding transcript variant (1).
Genome position (GRCh38, 1-based): chr6:75,908,553, A>T. VCF-style: chr6-75908553-A-T. GRCh37 (hg19) VCF-style: chr6-76618270-A-T.
Other names: c.3269A>T, p.His1090Leu (NM_001300899.2, NM_001368136.1); c.3326A>T, p.His1109Leu (NM_001368137.1); c.3254A>T, p.His1085Leu (NM_001368138.1); c.3365A>T, p.His1122Leu (NM_001368865.1, NM_001368866.1); short protein forms H1085L, H1090L, H1109L, H1113L, H1122L.
Identifiers: ClinVar variation 1697151 (VCV001697151.2), dbSNP rs755485724, ClinGen allele CA3897687.

ClinVar aggregate classification (germline): Uncertain significance (1 of 4 stars; one submission).

Allele frequency attached by ClinVar (database versions not stated): gnomAD exomes 0.00001; ExAC 0.00002.
gnomAD v4.1: 4 of 1,613,606 alleles (0.00025%); highest among the groups gnomAD compares: Non-Finnish European, 0.00034%; no homozygotes.

Submission:

GeneDx
Classification: Uncertain significance. Last evaluated: 2022-01-18. Review status: criteria provided, single submitter. Criteria: GeneDx Variant Classification Process June 2021. Collection method: clinical testing. Allele origin: germline. Affected: yes.
Comment: In silico analysis supports that this missense variant has a deleterious effect on protein structure/function; Has not been previously published as pathogenic or benign to our knowledge